The following is an entry in ClinVar:

NM_005159.5(ACTC1):c.69T>G (p.Phe23Leu)

Genes: ACTC1 (actin alpha cardiac muscle 1; minus strand), GJD2-DT (GJD2 divergent transcript; plus strand). Cytogenetic location: 15q14.
Variant type: single nucleotide variant.
Coding change: c.69T>G on transcript NM_005159.5 (MANE Select); coding-DNA position 69, T replaced by G.
Protein change: p.Phe23Leu; replaces phenylalanine 23 with leucine.
Molecular consequence: missense variant.
Genome position (GRCh38, 1-based): chr15:34,794,740, A>C on the plus strand (T>G on the coding strand, the complement: ACTC1 is on the minus strand). VCF-style: chr15-34794740-A-C. GRCh37 (hg19) VCF-style: chr15-35086941-A-C.
Other names: c.69T>G (LRG_388t1); short protein forms F23L.
Identifiers: ClinVar variation 520286 (VCV000520286.6), dbSNP rs1555419008, ClinGen allele CA391633249.

ClinVar aggregate classification (germline): Uncertain significance (1 of 4 stars; one submission).

Conditions:
Cardiovascular phenotype. Identifiers: MedGen CN230736.

Submission:

Ambry Genetics
Classification: Uncertain significance for Cardiovascular phenotype. Last evaluated: 2022-11-21. Review status: criteria provided, single submitter. Criteria: Ambry Variant Classification Scheme 2023. Collection method: clinical testing. Allele origin: germline.
Comment: The p.F23L variant (also known as c.69T>G), located in coding exon 1 of the ACTC1 gene, results from a T to G substitution at nucleotide position 69. The phenylalanine at codon 23 is replaced by leucine, an amino acid with highly similar properties. A different alteration located at the same position, resulting in the same protein change, c.67T>C p.F23L, was observed in two individuals reported to have hypertrophic cardiomyopathy; however, clinical details were limited (Coppini R et al. J Am Coll Cardiol. 2014;64:2589-600). This amino acid position is highly conserved in available vertebrate species. In addition, this alteration is predicted to be deleterious by in silico analysis. Since supporting evidence is limited at this time, the clinical significance of this alteration remains unclear.

Literature cited by the submitters: PubMed 25524337.